The following is an entry in ClinVar:

NM_201384.3(PLEC):c.7114C>T (p.Arg2372Trp)

Gene: PLEC (plectin; minus strand). Cytogenetic location: 8q24.3.
Variant type: single nucleotide variant.
Coding change: c.7114C>T on transcript NM_201384.3 (MANE Select); coding-DNA position 7114, C replaced by T.
Protein change: p.Arg2372Trp; replaces arginine 2372 with tryptophan.
Molecular consequence: missense variant.
Genome position (GRCh38, 1-based): chr8:143,922,815, G>A on the plus strand (C>T on the coding strand, the complement: PLEC is on the minus strand). VCF-style: chr8-143922815-G-A. GRCh37 (hg19) VCF-style: chr8-144996983-G-A.
Other names: c.7195C>T (NM_000445.3); c.7195C>T, p.Arg2399Trp (NM_000445.5); c.7072C>T, p.Arg2358Trp (NM_201378.4); c.7048C>T, p.Arg2350Trp (NM_201379.3); c.7525C>T, p.Arg2509Trp (NM_201380.4); c.7018C>T, p.Arg2340Trp (NM_201381.3); c.7114C>T, p.Arg2372Trp (NM_201382.4); c.7126C>T, p.Arg2376Trp (NM_201383.3); short protein forms R2340W, R2350W, R2358W, R2399W, R2372W, R2509W, R2376W.
Identifiers: ClinVar variation 2150771 (VCV002150771.5), dbSNP rs781879464, ClinGen allele CA4925756.

ClinVar aggregate classification (germline): Uncertain significance. Review status: criteria provided, multiple submitters, no conflicts (2 of 4 stars). 2 submissions from 2 submitters: Uncertain significance (2). Last evaluated 2026-01-06.

Conditions:
Inborn genetic diseases. Identifiers: MedGen C0950123, MeSH D030342.
Epidermolysis bullosa simplex 5B, with muscular dystrophy (EBS5B). Also called: EPIDERMOLYSIS BULLOSA SIMPLEX AND LIMB-GIRDLE MUSCULAR DYSTROPHY; Epidermolysis bullosa simplex with muscular dystrophy. Identifiers: Orphanet 257, MedGen C2931072, MONDO:0009181, OMIM 226670.
Epidermolysis bullosa simplex, Ogna type (EBS5A). Also called: Pidermolysis bullosa simplex 5A, Ogna type; EPIDERMOLYSIS BULLOSA SIMPLEX 5A, OGNA TYPE. Identifiers: Orphanet 79401, MedGen C0432317, MONDO:0007555, OMIM 131950.
Epidermolysis bullosa simplex 5C, with pyloric atresia (EBS5C). Also called: PLEC-Related Epidermolysis Bullosa with Pyloric Atresia; Epidermolysis bullosa simplex with pyloric atresia; PLEC1-Related Epidermolysis Bullosa with Pyloric Atresia. Identifiers: Orphanet 158684, MedGen C2677349, MONDO:0012807, OMIM 612138.
Autosomal recessive limb-girdle muscular dystrophy type 2Q (LGMDR17). Also called: MUSCULAR DYSTROPHY, LIMB-GIRDLE, AUTOSOMAL RECESSIVE 17. Identifiers: Orphanet 254361, MedGen C3150989, MONDO:0013390, OMIM 613723.
Epidermolysis bullosa simplex with nail dystrophy (EBS5D). Identifiers: MedGen C4225309, MONDO:0014661, OMIM 616487.

Allele frequency attached by ClinVar (database versions not stated): gnomAD exomes 0.00001; ExAC 0.00002.
gnomAD v4.1: 12 of 1,586,026 alleles (0.00076%); highest among the groups gnomAD compares: East Asian, 0.0046%; no homozygotes.

Submissions (2):

Labcorp Genetics (formerly Invitae), Labcorp
Classification: Uncertain significance for Autosomal recessive limb-girdle muscular dystrophy type 2Q; Epidermolysis bullosa simplex, Ogna type; Epidermolysis bullosa simplex with nail dystrophy; Epidermolysis bullosa simplex 5C, with pyloric atresia; Epidermolysis bullosa simplex 5B, with muscular dystrophy. Last evaluated: 2026-01-06. Review status: criteria provided, single submitter. Criteria: Invitae Variant Classification Sherloc (09022015). Collection method: clinical testing. Allele origin: germline.
Comment: This sequence change replaces arginine, which is basic and polar, with tryptophan, which is neutral and slightly polar, at codon 2399 of the PLEC protein (p.Arg2399Trp). This variant is present in population databases (rs781879464, gnomAD 0.01%). This variant has not been reported in the literature in individuals affected with PLEC-related conditions. ClinVar contains an entry for this variant (Variation ID: 2150771). Invitae Evidence Modeling of protein sequence and biophysical properties (such as structural, functional, and spatial information, amino acid conservation, physicochemical variation, residue mobility, and thermodynamic stability) has been performed for this missense variant. However, the output from this modeling did not meet the statistical confidence thresholds required to predict the impact of this variant on PLEC protein function. In summary, the available evidence is currently insufficient to determine the role of this variant in disease. Therefore, it has been classified as a Variant of Uncertain Significance.

Ambry Genetics
Classification: Uncertain significance for Inborn genetic diseases. Last evaluated: 2023-11-27. Review status: criteria provided, single submitter. Criteria: Ambry Variant Classification Scheme 2023. Collection method: clinical testing. Allele origin: germline.